The following is an entry in ClinVar:

NC_000022.10:g.(?_29621477)_(30035211_?)del

Genes: AP1B1 (adaptor related protein complex 1 subunit beta 1; minus strand), EMID1 (EMI domain containing 1; plus strand), EWSR1 (EWS RNA binding protein 1; plus strand), GAS2L1 (growth arrest specific 2 like 1; plus strand), NEFH (neurofilament heavy chain; plus strand) and 7 more. Cytogenetic location: 22q12.2.
Variant type: Deletion.
Identifiers: ClinVar variation 3247149 (VCV003247149.1).

ClinVar aggregate classification (germline): Pathogenic (1 of 4 stars; one submission).

Conditions:
Neurofibromatosis, type 2 (SWNV). Also called: SCHWANNOMATOSIS, VESTIBULAR; BILATERAL ACOUSTIC NEUROFIBROMATOSIS; NF2-Related Schwannomatosis. Identifiers: Orphanet 637, MedGen C0027832, MONDO:0007039, OMIM 101000. Disease mechanism: loss of function.

Submission:

Labcorp Genetics (formerly Invitae), Labcorp
Classification: Pathogenic for Neurofibromatosis, type 2. Last evaluated: 2023-01-13. Review status: criteria provided, single submitter. Criteria: Invitae Variant Classification Sherloc (09022015). Collection method: clinical testing. Allele origin: unknown.
Comment: For these reasons, this variant has been classified as Pathogenic. A similar copy number variant has been observed in individual(s) with neurofibromatosis, type 2 (PMID: 19968670). This variant is a gross deletion of the genomic region encompassing exon(s) 1-3 of the NF2 gene, which includes the initiator codon. This deletion extends beyond the assayed region for this gene and therefore may encompass additional genes. It is expected to result in an absent or disrupted protein product. Loss-of-function variants in NF2 are known to be pathogenic (PMID: 9643284, 16983642).

Literature cited by the submitters: PubMed 19968670; PubMed 9643284; PubMed 16983642.